The following is an entry in ClinVar:

NM_001035.3(RYR2):c.-10G>A

Gene: RYR2 (ryanodine receptor 2; plus strand). Cytogenetic location: 1q43.
Variant type: single nucleotide variant.
Coding change: c.-10G>A on transcript NM_001035.3 (MANE Select); 10 bases upstream of the start codon, G replaced by A.
Molecular consequence: 5 prime UTR variant.
Genome position (GRCh38, 1-based): chr1:237,042,512, G>A. VCF-style: chr1-237042512-G-A. GRCh37 (hg19) VCF-style: chr1-237205812-G-A.
Identifiers: ClinVar variation 1332341 (VCV001332341.3), dbSNP rs1248591116, ClinGen allele CA733231896.

ClinVar aggregate classification (germline): Uncertain significance (1 of 4 stars; one submission).

Conditions:
Cardiomyopathy (CMYO). Also called: Cardiomyopathies. Identifiers: Orphanet 167848, MedGen C0878544, MONDO:0004994, HP:0001638. Inheritance: Various modes of inheritance.

Allele frequency attached by ClinVar (database versions not stated): TOPMed 0.00001; gnomAD 0.00001.

Submission:

Color Diagnostics, LLC DBA Color Health
Classification: Uncertain significance for Cardiomyopathy. Last evaluated: 2025-05-13. Review status: criteria provided, single submitter. Criteria: ACMG Guidelines, 2015. Collection method: clinical testing. Allele origin: germline.
Comment: This variant is located in the 5' untranslated region of the RYR2 gene. To our knowledge, functional studies have not been reported for this variant. This variant has not been reported in individuals affected with RYR2-related disorders in the literature. This variant has not been identified in the general population by the Genome Aggregation Database (gnomAD). The available evidence is insufficient to determine the role of this variant in disease conclusively. Therefore, this variant is classified as a Variant of Uncertain Significance.